The following is an entry in ClinVar:

NM_001142966.3(GREB1L):c.1220T>C (p.Leu407Ser)

Genes: GREB1L (GREB1 like retinoic acid receptor coactivator; plus strand), GREB1L-AS1 (GREB1L antisense RNA 1; minus strand). Cytogenetic location: 18q11.1.
Variant type: single nucleotide variant.
Coding change: c.1220T>C on transcript NM_001142966.3 (MANE Select); coding-DNA position 1220, T replaced by C.
Protein change: p.Leu407Ser; replaces leucine 407 with serine.
Molecular consequence: missense variant.
Genome position (GRCh38, 1-based): chr18:21,444,236, T>C. VCF-style: chr18-21444236-T-C. GRCh37 (hg19) VCF-style: chr18-19024197-T-C.
Other names: c.1349T>C, p.Leu450Ser (NM_001410867.1); c.1220T>C, p.Leu407Ser (NM_001410868.1); short protein forms L407S, L450S.
Identifiers: ClinVar variation 3350981 (VCV003350981.2).

ClinVar aggregate classification (germline): Uncertain significance. Review status: criteria provided, single submitter (1 of 4 stars). 2 submissions from 2 submitters: Uncertain significance (1). 1 of the submissions does not count toward it. Last evaluated 2025-09-30.

Conditions:
GREB1L-related disorder. Also called: GREB1L-related condition.

gnomAD v4.1: 43 of 1,550,830 alleles (0.0028%); highest among the groups gnomAD compares: Non-Finnish European, 0.0034%; no homozygotes.

Submissions (2):

Labcorp Genetics (formerly Invitae), Labcorp
Classification: Uncertain significance. Last evaluated: 2025-09-30. Review status: criteria provided, single submitter. Criteria: Invitae Variant Classification Sherloc (09022015). Collection method: clinical testing. Allele origin: germline.
Comment: This sequence change replaces leucine, which is neutral and non-polar, with serine, which is neutral and polar, at codon 407 of the GREB1L protein (p.Leu407Ser). This variant is present in population databases (rs747779694, gnomAD 0.003%). This variant has not been reported in the literature in individuals affected with GREB1L-related conditions. ClinVar contains an entry for this variant (Variation ID: 3350981). An algorithm developed to predict the effect of missense changes on protein structure and function (PolyPhen-2) suggests that this variant is likely to be disruptive. In summary, the available evidence is currently insufficient to determine the role of this variant in disease. Therefore, it has been classified as a Variant of Uncertain Significance.

PreventionGenetics, part of Exact Sciences
Classification: Uncertain significance for GREB1L-related condition. Last evaluated: 2024-06-18. Review status: no assertion criteria provided. Collection method: clinical testing. Allele origin: germline. Not counted in ClinVar's aggregate classification.
Comment: The GREB1L c.1220T>C variant is predicted to result in the amino acid substitution p.Leu407Ser. To our knowledge, this variant has not been reported in the literature. This variant is reported in 0.0053% of alleles in individuals of European (Non-Finnish) descent in gnomAD. At this time, the clinical significance of this variant is uncertain due to the absence of conclusive functional and genetic evidence.